The following is an entry in ClinVar:

NM_001042492.3(NF1):c.7509_7511delinsACA (p.Tyr2503_Leu2504delinsTer)

Gene: NF1 (neurofibromin 1; plus strand). Cytogenetic location: 17q11.2.
Variant type: Indel.
Coding change: c.7509_7511delinsACA on transcript NM_001042492.3 (MANE Select); coding-DNA positions 7509 to 7511, CCT replaced by ACA.
Protein change: p.Tyr2503_Leu2504delinsTer.
Molecular consequence: nonsense.
Genome position (GRCh38, 1-based): chr17:31,352,308-31,352,310, CCT replaced by ACA. VCF-style: chr17-31352308-CCT-ACA. GRCh37 (hg19) VCF-style: chr17-29679326-CCT-ACA.
Other names: c.7446_7448delinsACA, p.Tyr2482_Leu2483delinsTer (NM_000267.4); short protein forms Y2482*, Y2503*.
Identifiers: ClinVar variation 4119076 (VCV004119076.1).

ClinVar aggregate classification (germline): Pathogenic (1 of 4 stars; one submission).

Conditions:
Cardiovascular phenotype. Identifiers: MedGen CN230736.
Hereditary cancer-predisposing syndrome. Also called: Hereditary neoplastic syndrome; Neoplastic Syndromes, Hereditary; Tumor predisposition; Hereditary Cancer Syndrome. Identifiers: Orphanet 140162, MedGen C0027672, MeSH D009386, MONDO:0015356.

Submission:

Ambry Genetics
Classification: Pathogenic for Cardiovascular phenotype; Hereditary cancer-predisposing syndrome. Last evaluated: 2025-07-18. Review status: criteria provided, single submitter. Criteria: Ambry Variant Classification Scheme 2023. Collection method: clinical testing. Allele origin: germline.
Comment: The c.7446_7448delCCTinsACA pathogenic mutation, located in coding exon 50 of the NF1 gene, results from an in-frame deletion of CCT and insertion of ACA at nucleotide positions 7446 to 7448. This changes the amino acid from a tyrosine to a stop codon within coding exon 507. This variant was reported in individual(s) with features consistent with neurofibromatosis type 1 (Ambry internal data). This variant is considered to be rare based on population cohorts in the Genome Aggregation Database (gnomAD). This alteration is expected to result in loss of function by premature protein truncation or nonsense-mediated mRNA decay. As such, this alteration is interpreted as a disease-causing mutation.